The following is an entry in ClinVar:

ClinVar aggregate classification (germline): Conflicting classifications of pathogenicity. Review status: criteria provided, conflicting classifications (1 of 4 stars). 3 submissions from 3 submitters: Uncertain significance (2); Likely benign (1). Last evaluated 2025-04-11.

Conditions:
Cardiomyopathy (CMYO). Also called: Cardiomyopathies. Identifiers: Orphanet 167848, MedGen C0878544, MONDO:0004994, HP:0001638. Inheritance: Various modes of inheritance.
Hypertrophic cardiomyopathy. Also called: HYPERTROPHIC MYOCARDIOPATHY. Identifiers: Orphanet 217569, MedGen C0007194, MeSH D002312, MONDO:0005045, HP:0001639.

Submissions (3):

Labcorp Genetics (formerly Invitae), Labcorp
Classification: Likely benign for Hypertrophic cardiomyopathy. Last evaluated: 2025-04-11. Review status: criteria provided, single submitter. Criteria: Invitae Variant Classification Sherloc (09022015). Collection method: clinical testing. Allele origin: germline.

All of Us Research Program, National Institutes of Health
Classification: Uncertain significance for Cardiomyopathy. Last evaluated: 2023-11-20. Review status: criteria provided, single submitter. Criteria: ACMG Guidelines, 2015. Collection method: clinical testing. Allele origin: germline. Inheritance: Autosomal dominant inheritance. Observed: 1 variant allele, 1 heterozygote.
Comment: This variant causes a C to A nucleotide substitution at the -12 position of intron 35 of the MYH7 gene. Splice prediction tools are inconclusive regarding the impact of this variant on RNA splicing. To our knowledge, functional studies have not been reported for this variant. This variant has not been reported in individuals affected with MYH7-related disorders in the literature. This variant has not been identified in the general population by the Genome Aggregation Database (gnomAD). The available evidence is insufficient to determine the role of this variant in disease conclusively. Therefore, this variant is classified as a Variant of Uncertain Significance.

This study involves interpretation of variants in research participants for the purpose of population health screening. Participant phenotype was not available at the time of variant classification. Additional details can be found in publication PMID: 35346344, PMCID: PMC8962531

Color Diagnostics, LLC DBA Color Health
Classification: Uncertain significance for Cardiomyopathy. Last evaluated: 2023-10-26. Review status: criteria provided, single submitter. Criteria: ACMG Guidelines, 2015. Collection method: clinical testing. Allele origin: germline.
Comment: This variant causes a C to A nucleotide substitution at the -12 position of intron 35 of the MYH7 gene. Splice prediction tools are inconclusive regarding the impact of this variant on RNA splicing. To our knowledge, functional studies have not been reported for this variant. This variant has not been reported in individuals affected with MYH7-related disorders in the literature. This variant has not been identified in the general population by the Genome Aggregation Database (gnomAD). The available evidence is insufficient to determine the role of this variant in disease conclusively. Therefore, this variant is classified as a Variant of Uncertain Significance.

NM_000257.4(MYH7):c.5158-12C>A

Genes: MHRT (myosin heavy chain associated RNA transcript; plus strand), MYH7 (myosin heavy chain 7; minus strand), LOC126861897 (BRD4-independent group 4 enhancer GRCh37_chr14:23884455-23885654; plus strand). Cytogenetic location: 14q11.2.
Variant type: single nucleotide variant.
Coding change: c.5158-12C>A on transcript NM_000257.4 (MANE Select); 12 bases into the intron before coding-DNA position 5158, C replaced by A.
Molecular consequence: intron variant.
Genome position (GRCh38, 1-based): chr14:23,415,518, G>T on the plus strand (C>A on the coding strand, the complement: MYH7 is on the minus strand). VCF-style: chr14-23415518-G-T. GRCh37 (hg19) VCF-style: chr14-23884727-G-T.
Identifiers: ClinVar variation 926192 (VCV000926192.9), dbSNP rs1020453843, ClinGen allele CA1139663361.